The following is an entry in ClinVar:

ClinVar aggregate classification (germline): Uncertain significance (1 of 4 stars; one submission).

Conditions:
Townes syndrome (TBS). Also called: Townes-Brocks syndrome. Identifiers: Orphanet 857, MedGen C0265246, MeSH C536974, MONDO:0007142.

Allele frequency attached by ClinVar (database versions not stated): gnomAD exomes below 0.00001.
gnomAD v4.1: 2 of 1,614,218 alleles (0.00012%); highest among the groups gnomAD compares: Non-Finnish European, 0.00017%; no homozygotes.

Submission:

Labcorp Genetics (formerly Invitae), Labcorp
Classification: Uncertain significance for Townes syndrome. Last evaluated: 2024-12-03. Review status: criteria provided, single submitter. Criteria: Invitae Variant Classification Sherloc (09022015). Collection method: clinical testing. Allele origin: germline.
Comment: This sequence change replaces lysine, which is basic and polar, with arginine, which is basic and polar, at codon 735 of the SALL1 protein (p.Lys735Arg). This variant is not present in population databases (gnomAD no frequency). This variant has not been reported in the literature in individuals affected with SALL1-related conditions. ClinVar contains an entry for this variant (Variation ID: 1939105). Invitae Evidence Modeling of protein sequence and biophysical properties (such as structural, functional, and spatial information, amino acid conservation, physicochemical variation, residue mobility, and thermodynamic stability) indicates that this missense variant is not expected to disrupt SALL1 protein function with a negative predictive value of 80%. In summary, the available evidence is currently insufficient to determine the role of this variant in disease. Therefore, it has been classified as a Variant of Uncertain Significance.

NM_002968.3(SALL1):c.2204A>G (p.Lys735Arg)

Gene: SALL1 (spalt like transcription factor 1; minus strand). Cytogenetic location: 16q12.1.
Variant type: single nucleotide variant.
Coding change: c.2204A>G on transcript NM_002968.3 (MANE Select); coding-DNA position 2204, A replaced by G.
Protein change: p.Lys735Arg; replaces lysine 735 with arginine.
Molecular consequence: missense variant.
Genome position (GRCh38, 1-based): chr16:51,140,018, T>C on the plus strand (A>G on the coding strand, the complement: SALL1 is on the minus strand). VCF-style: chr16-51140018-T-C. GRCh37 (hg19) VCF-style: chr16-51173929-T-C.
Other names: c.1913A>G, p.Lys638Arg (NM_001127892.2); short protein forms K638R, K735R.
Identifiers: ClinVar variation 1939105 (VCV001939105.5), dbSNP rs1195139692, ClinGen allele CA395885993.